The following is an entry in ClinVar:

ClinVar aggregate classification (germline): Uncertain significance (1 of 4 stars; one submission).

Submission:

Labcorp Genetics (formerly Invitae), Labcorp
Classification: Uncertain significance. Last evaluated: 2025-07-13. Review status: criteria provided, single submitter. Criteria: Invitae Variant Classification Sherloc (09022015). Collection method: clinical testing. Allele origin: germline.
Comment: This sequence change creates a premature translational stop signal (p.Met1089Serfs*8) in the KANK1 gene. It is expected to result in an absent or disrupted protein product. However, the current clinical and genetic evidence is not sufficient to establish whether loss-of-function variants in KANK1 cause disease. This variant is not present in population databases (gnomAD no frequency). This variant has not been reported in the literature in individuals affected with KANK1-related conditions. In summary, the available evidence is currently insufficient to determine the role of this variant in disease. Therefore, it has been classified as a Variant of Uncertain Significance.

NM_015158.5(KANK1):c.3266del (p.Met1089fs)

Gene: KANK1 (KN motif and ankyrin repeat domains 1; plus strand). Cytogenetic location: 9p24.3.
Variant type: Deletion.
Coding change: c.3266del on transcript NM_015158.5 (MANE Select); coding-DNA position 3266, one base deleted (T; older notation c.3266delT).
Protein change: p.Met1089fs; shifts the reading frame from methionine 1089.
Molecular consequence: frameshift variant. On other transcripts: non-coding transcript variant (1).
Genome position (GRCh38, 1-based): chr9:734,768, T deleted. VCF-style (leftmost placement, unchanged base first): chr9-734767-AT-A. GRCh37 (hg19) VCF-style: chr9-734767-AT-A.
Other names: c.3266del, p.Met1089fs (NM_001256876.3, NM_001256877.3, NM_001354334.2 and 1 more transcripts); c.3026del, p.Met1009fs (NM_001354331.2); c.3212del, p.Met1071fs (NM_001354332.2); c.2792del, p.Met931fs (NM_001354333.2, NM_001354335.2, NM_001354337.2 and 2 more transcripts); c.2498del, p.Met833fs (NM_001354336.2, NM_001438411.1); c.2738del, p.Met913fs (NM_001354338.2, NM_001354340.2, NM_001354344.2); c.2552del, p.Met851fs (NM_001354339.2, NM_001354342.2, NM_001354343.2); short protein forms M1071fs, M833fs, M1009fs, M913fs, M851fs, M931fs, M1089fs.
Identifiers: ClinVar variation 4723171 (VCV004723171.1).